The following is an entry in ClinVar:

NM_000548.5(TSC2):c.2153G>C (p.Arg718Pro)

Gene: TSC2 (TSC complex subunit 2; plus strand). Cytogenetic location: 16p13.3.
Variant type: single nucleotide variant.
Coding change: c.2153G>C on transcript NM_000548.5 (MANE Select); coding-DNA position 2153, G replaced by C.
Protein change: p.Arg718Pro; replaces arginine 718 with proline.
Molecular consequence: missense variant.
Genome position (GRCh38, 1-based): chr16:2,072,296, G>C. VCF-style: chr16-2072296-G-C. GRCh37 (hg19) VCF-style: chr16-2122297-G-C.
Other names: p.R718P:CGC>CCC; c.2153G>C, p.Arg718Pro (NM_001077183.3, NM_001114382.3, NM_001363528.2 and 3 more transcripts); c.2042G>C, p.Arg681Pro (NM_001318827.2); c.2006G>C, p.Arg669Pro (NM_001318829.2); c.1553G>C, p.Arg518Pro (NM_001318831.2); c.2186G>C, p.Arg729Pro (NM_001318832.2); c.2153G>C (NM_000548.4); short protein forms R718P, R681P, R729P, R518P, R669P.
Identifiers: ClinVar variation 49597 (VCV000049597.53), dbSNP rs45517215, ClinGen allele CA016844.

ClinVar aggregate classification (germline): Conflicting classifications of pathogenicity. Review status: criteria provided, conflicting classifications (1 of 4 stars). 15 submissions from 15 submitters: Uncertain significance (1); Benign (5); Likely benign (7). 2 of the submissions do not count toward it. Last evaluated 2026-08-01.

Conditions:
TSC2-related disorder. Also called: TSC2-related condition; TSC2-Related Disorders.
Tuberous sclerosis 2 (TSC2). Identifiers: Orphanet 805, MedGen C1860707, MONDO:0013199, OMIM 613254.
Lymphangiomyomatosis (LAM). Also called: Lymphangioleiomyomatosis; Lymphangioleiomyomatosis, somatic. Identifiers: Orphanet 538, MedGen C0751674, MONDO:0011705, OMIM 606690.
Isolated focal cortical dysplasia type II (FCORD2). Also called: Focal cortical dysplasia type II; CORTICAL DYSPLASIA OF TAYLOR. Identifiers: Orphanet 268994, MedGen C1846385, MONDO:0011818, OMIM 607341, HP:0032051.
Hereditary cancer-predisposing syndrome. Also called: Neoplastic Syndromes, Hereditary; Tumor predisposition; Hereditary Cancer Syndrome; Hereditary neoplastic syndrome. Identifiers: Orphanet 140162, MedGen C0027672, MeSH D009386, MONDO:0015356.
Tuberous sclerosis syndrome (TSC). Also called: Tuberous Sclerosis Complex; Tuberous sclerosis. Identifiers: Orphanet 805, MedGen C0041341, MONDO:0001734.

Allele frequency attached by ClinVar (database versions not stated): gnomAD 0.00003; TOPMed 0.00008.
gnomAD v4.1: 159 of 1,613,990 alleles (0.0099%); highest among the groups gnomAD compares: Non-Finnish European, 0.0028%; no homozygotes.

Submissions (15):

CeGaT Center for Human Genetics Tuebingen
Classification: Likely benign. Last evaluated: 2026-08-01. Review status: criteria provided, single submitter. Criteria: CeGaT Center For Human Genetics Tuebingen Variant Classification Criteria Version 2. Collection method: clinical testing. Allele origin: germline. Affected: yes. Observed: 8 variant alleles.
Comment: TSC2: BS2

Women's Health and Genetics/Laboratory Corporation of America, LabCorp
Classification: Likely benign. Last evaluated: 2026-03-02. Review status: criteria provided, single submitter. Criteria: LabCorp Variant Classification Summary - May 2015. Collection method: clinical testing. Allele origin: germline.
Comment: Variant summary: TSC2 c.2153G>C (p.Arg718Pro) results in a non-conservative amino acid change in the encoded protein sequence. Algorithms developed to predict the effect of missense changes on protein structure and function all suggest that this variant is likely to be disruptive. The variant allele was found at a frequency of 0.00014 in 251170 control chromosomes. The observed variant frequency exceeds the estimated maximal expected allele frequency for disease-causing variants in TSC2. To our knowledge, no occurrence of c.2153G>C in individuals affected with TSC2-related conditions and no experimental evidence demonstrating its impact on protein function have been reported. ClinVar contains an entry for this variant (Variation ID: 49597). Based on the evidence outlined above, the variant was classified as likely benign.

Labcorp Genetics (formerly Invitae), Labcorp
Classification: Benign for Tuberous sclerosis 2. Last evaluated: 2026-01-25. Review status: criteria provided, single submitter. Criteria: Invitae Variant Classification Sherloc (09022015). Collection method: clinical testing. Allele origin: germline.

All of Us Research Program, National Institutes of Health
Classification: Likely benign for Tuberous sclerosis syndrome. Last evaluated: 2024-09-23. Review status: criteria provided, single submitter. Criteria: ACMG Guidelines, 2015. Collection method: clinical testing. Allele origin: germline. Inheritance: Autosomal dominant inheritance. Observed: 46 variant alleles, 46 heterozygotes.
Comment: This study involves interpretation of variants in research participants for the purpose of population health screening. Participant phenotype was not available at the time of variant classification. Additional details can be found in publication PMID: 35346344, PMCID: PMC8962531

Blueprint Genetics
Classification: Likely benign. Last evaluated: 2024-08-05. Review status: criteria provided, single submitter. Criteria: ACMG Guidelines, 2015. Collection method: clinical testing. Allele origin: germline.

Athena Diagnostics
Classification: Benign. Last evaluated: 2024-02-02. Review status: criteria provided, single submitter. Criteria: Athena Diagnostics Criteria. Collection method: clinical testing. Allele origin: unknown.

Color Diagnostics, LLC DBA Color Health
Classification: Likely benign for Tuberous sclerosis syndrome. Last evaluated: 2023-03-01. Review status: criteria provided, single submitter. Criteria: ACMG Guidelines, 2015. Collection method: clinical testing. Allele origin: germline.

Department of Pathology and Laboratory Medicine, Sinai Health System
Classification: Likely benign for Lymphangiomyomatosis; Isolated focal cortical dysplasia type II; Tuberous sclerosis 2. Last evaluated: 2022-09-08. Review status: criteria provided, single submitter. Criteria: ACMG Guidelines, 2015. Collection method: clinical testing. Allele origin: germline. Affected: yes.

Genome-Nilou Lab
Classification: Benign for Tuberous sclerosis 2. Last evaluated: 2021-11-07. Review status: criteria provided, single submitter. Criteria: ACMG Guidelines, 2015. Collection method: clinical testing. Allele origin: germline. Affected: no.

Sema4
Classification: Benign for Hereditary cancer-predisposing syndrome. Last evaluated: 2020-08-06. Review status: criteria provided, single submitter. Criteria: Sema4 Curation Guidelines. Collection method: curation. Allele origin: germline.

GeneDx
Classification: Benign. Last evaluated: 2019-04-05. Review status: criteria provided, single submitter. Criteria: GeneDx Variant Classification Process June 2021. Collection method: clinical testing. Allele origin: germline. Affected: yes.
Comment: This variant is associated with the following publications: (PMID: 23514105, 24163242)

Ambry Genetics
Classification: Likely benign for Hereditary cancer-predisposing syndrome. Last evaluated: 2018-09-11. Review status: criteria provided, single submitter. Criteria: Ambry Variant Classification Scheme 2023. Collection method: clinical testing. Allele origin: germline.

Illumina Laboratory Services, Illumina
Classification: Uncertain significance for Tuberous sclerosis syndrome. Last evaluated: 2017-04-27. Review status: criteria provided, single submitter. Criteria: ICSL Variant Classification Criteria 13 December 2019. Collection method: clinical testing. Allele origin: germline.
Comment: This variant was observed as part of a predisposition screen in an ostensibly healthy population. A literature search was performed for the gene, cDNA change, and amino acid change (where applicable). Publications were found based on this search. However, the evidence from the literature, in combination with allele frequency data from public databases where available, was not sufficient to rule this variant in or out of causing disease. Therefore, this variant is classified as a variant of unknown significance.

PreventionGenetics, part of Exact Sciences
Classification: Likely benign for TSC2-related condition. Last evaluated: 2024-04-27. Review status: no assertion criteria provided. Collection method: clinical testing. Allele origin: germline. Not counted in ClinVar's aggregate classification.
Comment: This variant is classified as likely benign based on ACMG/AMP sequence variant interpretation guidelines (Richards et al. 2015 PMID: 25741868, with internal and published modifications).

Tuberous sclerosis database (TSC2)
No classification provided. Condition: TSC. Review status: no classification provided. Criteria: Tuberous Sclerosis Database Assertion Criteria 2015. Collection method: curation. Allele origin: germline. Affected: yes. Not counted in ClinVar's aggregate classification.

Literature cited by the submitters: PubMed 21332470 (cited by Illumina Laboratory Services, Illumina); PubMed 10205261 (cited by Illumina Laboratory Services, Illumina).